The following is an entry in ClinVar:

ClinVar aggregate classification (germline): Conflicting classifications of pathogenicity. Review status: criteria provided, conflicting classifications (1 of 4 stars). 3 submissions from 3 submitters: Likely pathogenic (1); Uncertain significance (2). Last evaluated 2026-04-15.

Conditions:
DYSF-related disorder. Also called: DYSF-related condition; DYSF-related disorders.
Neuromuscular disease caused by qualitative or quantitative defects of dysferlin. Also called: Dysferlinopathy; Qualitative or quantitative defects of dysferlin. Identifiers: Orphanet 207073, MedGen C2931687, MONDO:0016145.

Allele frequency attached by ClinVar (database versions not stated): ExAC 0.00001; gnomAD 0.00001; TOPMed 0.00001; gnomAD exomes 0.00002; 1000 Genomes Project 30x 0.00016; 1000 Genomes Project 0.00020.
gnomAD v4.1: 19 of 1,614,042 alleles (0.0012%); highest among the groups gnomAD compares: East Asian, 0.0089%; no homozygotes.

Submissions (3):

PreventionGenetics, part of Exact Sciences
Classification: Uncertain significance for DYSF-related condition. Last evaluated: 2026-04-15. Review status: criteria provided, single submitter. Criteria: ACMG Guidelines, 2015. Collection method: clinical testing. Allele origin: germline.
Comment: The DYSF c.3022G>A variant is predicted to result in the amino acid substitution p.Asp1008Asn. To our knowledge, this variant has not been reported in the literature. This variant is reported in 0.011% of alleles in individuals of East Asian descent in gnomAD. At this time, the clinical significance of this variant is uncertain due to the absence of conclusive functional and genetic evidence.

Labcorp Genetics (formerly Invitae), Labcorp
Classification: Likely pathogenic for Neuromuscular disease caused by qualitative or quantitative defects of dysferlin. Last evaluated: 2025-11-26. Review status: criteria provided, single submitter. Criteria: Invitae Variant Classification Sherloc (09022015). Collection method: clinical testing. Allele origin: germline.
Comment: This sequence change replaces aspartic acid, which is acidic and polar, with asparagine, which is neutral and polar, at codon 1008 of the DYSF protein (p.Asp1008Asn). This variant is present in population databases (rs200943384, gnomAD 0.006%). This variant has not been reported in the literature in individuals affected with DYSF-related conditions. ClinVar contains an entry for this variant (Variation ID: 501636). Invitae Evidence Modeling of protein sequence and biophysical properties (such as structural, functional, and spatial information, amino acid conservation, physicochemical variation, residue mobility, and thermodynamic stability) indicates that this missense variant is expected to disrupt DYSF protein function with a positive predictive value of 95%. This variant disrupts the p.Asp1008 amino acid residue in DYSF. Other variant(s) that disrupt this residue have been determined to be pathogenic (internal data). This suggests that this residue is clinically significant, and that variants that disrupt this residue are likely to be disease-causing. In summary, the currently available evidence indicates that the variant is pathogenic, but additional data are needed to prove that conclusively. Therefore, this variant has been classified as Likely Pathogenic.

Eurofins Ntd Llc (ga)
Classification: Uncertain significance. Last evaluated: 2017-04-26. Review status: criteria provided, single submitter. Criteria: EGL Classification Definitions 2015. Collection method: clinical testing. Allele origin: germline. Observed: 1 variant allele, 1 homozygote.

NM_001130987.2(DYSF):c.3076G>A (p.Asp1026Asn)

Gene: DYSF (dysferlin; plus strand). Cytogenetic location: 2p13.2.
Variant type: single nucleotide variant.
Coding change: c.3076G>A on transcript NM_001130987.2 (MANE Select); coding-DNA position 3076, G replaced by A.
Protein change: p.Asp1026Asn; replaces aspartic acid 1026 with asparagine.
Molecular consequence: missense variant.
Genome position (GRCh38, 1-based): chr2:71,570,325, G>A. VCF-style: chr2-71570325-G-A. GRCh37 (hg19) VCF-style: chr2-71797455-G-A.
Other names: c.3025G>A, p.Asp1009Asn (NM_001130455.2, NM_001130983.2); c.2980G>A, p.Asp994Asn (NM_001130976.2, NM_001130977.2); c.3022G>A, p.Asp1008Asn (NM_001130978.2, NM_003494.4); c.3115G>A, p.Asp1039Asn (NM_001130979.2); c.3073G>A, p.Asp1025Asn (NM_001130980.2, NM_001130981.2); c.3118G>A, p.Asp1040Asn (NM_001130982.2); c.2983G>A, p.Asp995Asn (NM_001130984.2, NM_001130986.2); c.3076G>A, p.Asp1026Asn (NM_001130985.2); and 1 more; short protein forms D1008N, D1026N, D1039N, D995N, D1009N, D1040N, D994N, D1025N.
Identifiers: ClinVar variation 501636 (VCV000501636.9), dbSNP rs200943384, ClinGen allele CA1706386.